The following is an entry in ClinVar:

NM_004991.4(MECOM):c.431T>C (p.Val144Ala)

Gene: MECOM (MDS1 and EVI1 complex locus; minus strand). Cytogenetic location: 3q26.2.
Variant type: single nucleotide variant.
Coding change: c.431T>C on transcript NM_004991.4 (MANE Select); coding-DNA position 431, T replaced by C.
Protein change: p.Val144Ala; replaces valine 144 with alanine.
Molecular consequence: missense variant. On other transcripts: 5 prime UTR variant (12).
Genome position (GRCh38, 1-based): chr3:169,143,777, A>G on the plus strand (T>C on the coding strand, the complement: MECOM is on the minus strand). VCF-style: chr3-169143777-A-G. GRCh37 (hg19) VCF-style: chr3-168861565-A-G.
Other names: c.59T>C, p.Val20Ala (NM_001105077.4); c.-134T>C (NM_001105078.4, NM_001163999.2, NM_001164000.2 and 9 more transcripts); c.431T>C, p.Val144Ala (NM_001366466.2, NM_001366473.2); short protein forms V144A, V20A.
Identifiers: ClinVar variation 4624678 (VCV004624678.1).

ClinVar aggregate classification (germline): Uncertain significance (1 of 4 stars; one submission).

Conditions:
Inborn genetic diseases. Identifiers: MedGen C0950123, MeSH D030342.

gnomAD v4.1: 1 of 1,611,818 alleles (0.000062%); highest among the groups gnomAD compares: Non-Finnish European, 0.000085%; no homozygotes.

Submission:

Ambry Genetics
Classification: Uncertain significance for Inborn genetic diseases. Last evaluated: 2025-11-02. Review status: criteria provided, single submitter. Criteria: Ambry Variant Classification Scheme 2023. Collection method: clinical testing. Allele origin: germline.
Comment: The p.V144A variant (also known as c.431T>C), located in coding exon 3 of the MECOM gene, results from a T to C substitution at nucleotide position 431. The valine at codon 144 is replaced by alanine, an amino acid with similar properties. This amino acid position is conserved. In addition, this alteration is predicted to be tolerated by in silico analysis. Based on the available evidence, the clinical significance of this variant remains unclear.